The following is an entry in ClinVar:

ClinVar aggregate classification (germline): Conflicting classifications of pathogenicity. Review status: criteria provided, conflicting classifications (1 of 4 stars). 3 submissions from 3 submitters: Uncertain significance (1); Benign (1); Likely benign (1). Last evaluated 2025-05-05.

Conditions:
Hereditary cancer-predisposing syndrome. Also called: Hereditary neoplastic syndrome; Neoplastic Syndromes, Hereditary; Tumor predisposition; Hereditary Cancer Syndrome. Identifiers: Orphanet 140162, MedGen C0027672, MeSH D009386, MONDO:0015356.
Baller-Gerold syndrome (BGS). Also called: CRANIOSYNOSTOSIS WITH RADIAL DEFECTS. Identifiers: Orphanet 1225, MedGen C0265308, MONDO:0009039, OMIM 218600.
Rapadilino syndrome. Identifiers: Orphanet 3021, MedGen C1849453, MONDO:0009955, OMIM 266280.

Allele frequency attached by ClinVar (database versions not stated): ExAC 0.00002; gnomAD 0.00002; TOPMed 0.00002; ESP Exome Variant Server 0.00008.
gnomAD v4.1: 18 of 1,542,656 alleles (0.0012%); highest among the groups gnomAD compares: African/African-American, 0.0015%; no homozygotes.

Submissions (3):

Labcorp Genetics (formerly Invitae), Labcorp
Classification: Likely benign for Baller-Gerold syndrome. Last evaluated: 2025-05-05. Review status: criteria provided, single submitter. Criteria: Invitae Variant Classification Sherloc (09022015). Collection method: clinical testing. Allele origin: germline.

KCCC/NGS Laboratory, Kuwait Cancer Control Center
Classification: Benign for Rapadilino syndrome. Last evaluated: 2025-02-01. Review status: criteria provided, single submitter. Criteria: ACMG Guidelines, 2015. Collection method: clinical testing. Allele origin: germline. Affected: no.

Sema4
Classification: Uncertain significance for Hereditary cancer-predisposing syndrome. Last evaluated: 2021-09-16. Review status: criteria provided, single submitter. Criteria: Sema4 Curation Guidelines. Collection method: curation. Allele origin: germline.
Comment: The RECQL4 c.2464-4G>A variant has not been reported in the literature to our knowledge. This variant was observed in 1/21788 chromosomes in the African/African American population according to the Genome Aggregation Database (PMID: 32461654). The variant has been reported in ClinVar (Variation ID 459400). In silico tools developed to predict the effect of sequence changes on RNA splicing do not suggest negative effect on normal splicing, though these predictions have not been confirmed by functional studies. The evidence is insufficient to meet ACMG/AMP criteria for classifying the variant as benign or pathogenic. Thus, the clinical significance of this variant is currently uncertain.

NM_004260.4(RECQL4):c.2464-4G>A

Gene: RECQL4 (RecQ like helicase 4; minus strand). Cytogenetic location: 8q24.3.
Variant type: single nucleotide variant.
Coding change: c.2464-4G>A on transcript NM_004260.4 (MANE Select); 4 bases into the intron before coding-DNA position 2464, G replaced by A.
Molecular consequence: intron variant.
Genome position (GRCh38, 1-based): chr8:144,513,142, C>T on the plus strand (G>A on the coding strand, the complement: RECQL4 is on the minus strand). VCF-style: chr8-144513142-C-T. GRCh37 (hg19) VCF-style: chr8-145738525-C-T.
Identifiers: ClinVar variation 459400 (VCV000459400.13), dbSNP rs371431265, ClinGen allele CA4948232.